The following is an entry in ClinVar:

NM_001034850.3(RETREG1):c.879C>G (p.Ser293Arg)

Gene: RETREG1 (reticulophagy regulator 1; minus strand). Cytogenetic location: 5p15.1.
Variant type: single nucleotide variant.
Coding change: c.879C>G on transcript NM_001034850.3 (MANE Select); coding-DNA position 879, C replaced by G.
Protein change: p.Ser293Arg; replaces serine 293 with arginine.
Molecular consequence: missense variant.
Genome position (GRCh38, 1-based): chr5:16,477,783, G>C on the plus strand (C>G on the coding strand, the complement: RETREG1 is on the minus strand). VCF-style: chr5-16477783-G-C. GRCh37 (hg19) VCF-style: chr5-16477892-G-C.
Other names: c.456C>G, p.Ser152Arg (NM_019000.5); short protein forms S293R, S152R.
Identifiers: ClinVar variation 864011 (VCV000864011.9), dbSNP rs1738603998, ClinGen allele CA359258059.
Genomic context (GRCh38, chr5:16,477,783, plus strand): 5'-CCAGGATACCTCTGAGACGTCTGTGTCAGACACAGATAACTCTTTGGCAGCAACCGTGAG[G>C]CTAATCTGTGTTAATATAAATAAATACCAGCGGCACATTTTAAACTGCTGAAGGGAATAT-3'
Protein context (NP_001030022.1, residues 283-303): LDFSALCPKI[Ser293Arg]LTVAAKELSV

ClinVar aggregate classification (germline): Uncertain significance (1 of 4 stars; one submission).

Submission:

Labcorp Genetics (formerly Invitae), Labcorp
Classification: Uncertain significance. Last evaluated: 2022-07-26. Review status: criteria provided, single submitter. Criteria: Invitae Variant Classification Sherloc (09022015). Collection method: clinical testing. Allele origin: germline.
Comment: ClinVar contains an entry for this variant (Variation ID: 864011). In summary, the available evidence is currently insufficient to determine the role of this variant in disease. Therefore, it has been classified as a Variant of Uncertain Significance. Algorithms developed to predict the effect of missense changes on protein structure and function are either unavailable or do not agree on the potential impact of this missense change (SIFT: "Deleterious"; PolyPhen-2: "Probably Damaging"; Align-GVGD: "Class C15"). This variant has not been reported in the literature in individuals affected with RETREG1-related conditions. This variant is not present in population databases (gnomAD no frequency). This sequence change replaces serine, which is neutral and polar, with arginine, which is basic and polar, at codon 293 of the RETREG1 protein (p.Ser293Arg).